The following is an entry in ClinVar:

NM_006567.5(FARS2):c.125C>T (p.Ala42Val)

Genes: FARS2 (phenylalanyl-tRNA synthetase 2, mitochondrial; plus strand), LOC126859565 (CDK7 strongly-dependent group 2 enhancer GRCh37_chr6:5368745-5369944; plus strand). Cytogenetic location: 6p25.1.
Variant type: single nucleotide variant.
Coding change: c.125C>T on transcript NM_006567.5 (MANE Select); coding-DNA position 125, C replaced by T.
Protein change: p.Ala42Val; replaces alanine 42 with valine.
Molecular consequence: missense variant. On other transcripts: intron variant (2).
Genome position (GRCh38, 1-based): chr6:5,368,695, C>T. VCF-style: chr6-5368695-C-T. GRCh37 (hg19) VCF-style: chr6-5368928-C-T.
Other names: c.125C>T, p.Ala42Val (NM_001318872.2, NM_001374875.1, NM_001374876.1 and 5 more transcripts); c.-340-27938C>T (NM_001375260.1); c.-84-35847C>T (NM_001375259.1); short protein forms A42V.
Identifiers: ClinVar variation 1959953 (VCV001959953.5), dbSNP rs1758835400, ClinGen allele CA362734610.

ClinVar aggregate classification (germline): Uncertain significance (1 of 4 stars; one submission).

Conditions:
Combined oxidative phosphorylation defect type 14. Also called: Combined oxidative phosphorylation deficiency 14. Identifiers: Orphanet 319519, MedGen C4755312, MONDO:0013986, OMIM 614946.

Allele frequency attached by ClinVar (database versions not stated): TOPMed 0.00001.

Submission:

Labcorp Genetics (formerly Invitae), Labcorp
Classification: Uncertain significance for Combined oxidative phosphorylation defect type 14. Last evaluated: 2022-08-22. Review status: criteria provided, single submitter. Criteria: Invitae Variant Classification Sherloc (09022015). Collection method: clinical testing. Allele origin: germline.
Comment: This sequence change replaces alanine, which is neutral and non-polar, with valine, which is neutral and non-polar, at codon 42 of the FARS2 protein (p.Ala42Val). This variant is not present in population databases (gnomAD no frequency). This variant has not been reported in the literature in individuals affected with FARS2-related conditions. Advanced modeling of protein sequence and biophysical properties (such as structural, functional, and spatial information, amino acid conservation, physicochemical variation, residue mobility, and thermodynamic stability) performed at Invitae indicates that this missense variant is not expected to disrupt FARS2 protein function. In summary, the available evidence is currently insufficient to determine the role of this variant in disease. Therefore, it has been classified as a Variant of Uncertain Significance.